The following is an entry in ClinVar:

NM_033159.4(HYAL1):c.1292G>A (p.Arg431Gln)

Gene: HYAL1 (hyaluronidase 1; minus strand). Cytogenetic location: 3p21.31.
Variant type: single nucleotide variant.
Coding change: c.1292G>A on transcript NM_033159.4 (MANE Select); coding-DNA position 1292, G replaced by A.
Protein change: p.Arg431Gln; replaces arginine 431 with glutamine.
Molecular consequence: missense variant. On other transcripts: non-coding transcript variant (1).
Genome position (GRCh38, 1-based): chr3:50,300,499, C>T on the plus strand (G>A on the coding strand, the complement: HYAL1 is on the minus strand). VCF-style: chr3-50300499-C-T. GRCh37 (hg19) VCF-style: chr3-50337930-C-T.
Other names: c.1292G>A, p.Arg431Gln (NM_153281.2); c.1202G>A, p.Arg401Gln (NM_153282.3); c.746G>A, p.Arg249Gln (NM_153283.3); c.515G>A, p.Arg172Gln (NM_153285.3); short protein forms R431Q, R172Q, R249Q, R401Q.
Identifiers: ClinVar variation 346082 (VCV000346082.15), dbSNP rs368957453, ClinGen allele CA2415689.

ClinVar aggregate classification (germline): Conflicting classifications of pathogenicity. Review status: criteria provided, conflicting classifications (1 of 4 stars). 4 submissions from 4 submitters: Uncertain significance (2); Likely benign (1). 1 of the submissions does not count toward it. Last evaluated 2023-03-24.

Conditions:
Deficiency of hyaluronoglucosaminidase (MPS9). Also called: MPS IX; HYALURONIDASE DEFICIENCY; Mucopolysaccharidosis type 9. Identifiers: Orphanet 67041, MedGen C1291490, MONDO:0011093, OMIM 601492.

Allele frequency attached by ClinVar (database versions not stated): ExAC 0.00004; gnomAD 0.00004; gnomAD exomes 0.00004 and 0.00007; TOPMed 0.00004; ESP Exome Variant Server 0.00015.
gnomAD v4.1: 114 of 1,614,064 alleles (0.0071%); highest among the groups gnomAD compares: Non-Finnish European, 0.0088%; 1 homozygote.

Submissions (4):

Ambry Genetics
Classification: Likely benign. Last evaluated: 2023-03-24. Review status: criteria provided, single submitter. Criteria: Ambry Variant Classification Scheme 2023. Collection method: clinical testing. Allele origin: germline.

Labcorp Genetics (formerly Invitae), Labcorp
Classification: Uncertain significance for Deficiency of hyaluronoglucosaminidase. Last evaluated: 2021-09-01. Review status: criteria provided, single submitter. Criteria: Invitae Variant Classification Sherloc (09022015). Collection method: clinical testing. Allele origin: germline.
Comment: This sequence change replaces arginine with glutamine at codon 431 of the HYAL1 protein (p.Arg431Gln). The arginine residue is weakly conserved and there is a small physicochemical difference between arginine and glutamine. This variant is present in population databases (rs368957453, ExAC 0.008%). This variant has not been reported in the literature in individuals affected with HYAL1-related conditions. ClinVar contains an entry for this variant (Variation ID: 346082). Algorithms developed to predict the effect of missense changes on protein structure and function output the following: SIFT: "Tolerated"; PolyPhen-2: "Benign"; Align-GVGD: "Class C0". The glutamine amino acid residue is found in multiple mammalian species, which suggests that this missense change does not adversely affect protein function. In summary, the available evidence is currently insufficient to determine the role of this variant in disease. Therefore, it has been classified as a Variant of Uncertain Significance.

Illumina Laboratory Services, Illumina
Classification: Uncertain significance for Deficiency of hyaluronoglucosaminidase. Last evaluated: 2018-01-13. Review status: criteria provided, single submitter. Criteria: ICSL Variant Classification Criteria 13 December 2019. Collection method: clinical testing. Allele origin: germline.

Natera, Inc.
Classification: Uncertain significance for Mucopolysaccharidosis type IX. Last evaluated: 2019-11-11. Review status: no assertion criteria provided. Collection method: clinical testing. Allele origin: germline. Not counted in ClinVar's aggregate classification.